The following is an entry in ClinVar:

ClinVar aggregate classification (germline): Likely benign. Review status: criteria provided, multiple submitters, no conflicts (2 of 4 stars). 4 submissions from 4 submitters: Likely benign (4). Last evaluated 2024-10-04.

Conditions:
Cardiovascular phenotype. Identifiers: MedGen CN230736.
Cardiac arrhythmia. Also called: Arrhythmia; Cardiac rhythm disease. Identifiers: MedGen C0003811, MONDO:0007263, HP:0011675.
Long QT syndrome (LQTS). Identifiers: MedGen C0023976, MeSH D008133, MONDO:0002442. Disease mechanism: loss of function. Inheritance: Various modes of inheritance.

Allele frequency attached by ClinVar (database versions not stated): gnomAD exomes below 0.00001 and 0.00001; ExAC 0.00001; gnomAD 0.00001.
gnomAD v4.1: 6 of 1,613,968 alleles (0.00037%); highest among the groups gnomAD compares: Admixed American, 0.0017%; no homozygotes.

Submissions (4):

Labcorp Genetics (formerly Invitae), Labcorp
Classification: Likely benign for Long QT syndrome. Last evaluated: 2024-10-04. Review status: criteria provided, single submitter. Criteria: Invitae Variant Classification Sherloc (09022015). Collection method: clinical testing. Allele origin: germline.

All of Us Research Program, National Institutes of Health
Classification: Likely benign for Long QT syndrome. Last evaluated: 2023-06-26. Review status: criteria provided, single submitter. Criteria: ACMG Guidelines, 2015. Collection method: clinical testing. Allele origin: germline. Inheritance: Autosomal dominant inheritance. Observed: 1 variant allele, 1 heterozygote.
Comment: This study involves interpretation of variants in research participants for the purpose of population health screening. Participant phenotype was not available at the time of variant classification. Additional details can be found in publication PMID: 35346344, PMCID: PMC8962531

Ambry Genetics
Classification: Likely benign for Cardiovascular phenotype. Last evaluated: 2021-09-02. Review status: criteria provided, single submitter. Criteria: Ambry Variant Classification Scheme 2023. Collection method: clinical testing. Allele origin: germline.

Color Diagnostics, LLC DBA Color Health
Classification: Likely benign for Arrhythmia. Last evaluated: 2018-11-21. Review status: criteria provided, single submitter. Criteria: ACMG Guidelines, 2015. Collection method: clinical testing. Allele origin: germline.

NM_000238.4(KCNH2):c.2409C>T (p.Asp803=)

Gene: KCNH2 (potassium voltage-gated channel subfamily H member 2; minus strand). Cytogenetic location: 7q36.1.
Variant type: single nucleotide variant.
Coding change: c.2409C>T on transcript NM_000238.4 (MANE Select); coding-DNA position 2409, C replaced by T.
Protein change: p.Asp803=; no amino-acid change (aspartic acid 803 retained).
Molecular consequence: synonymous variant.
Genome position (GRCh38, 1-based): chr7:150,949,039, G>A on the plus strand (C>T on the coding strand, the complement: KCNH2 is on the minus strand). VCF-style: chr7-150949039-G-A. GRCh37 (hg19) VCF-style: chr7-150646127-G-A.
Other names: c.1389C>T, p.Asp463= (NM_172057.3).
Identifiers: ClinVar variation 924988 (VCV000924988.16), dbSNP rs776830887, ClinGen allele CA032653.